The following is an entry in ClinVar:

NM_001367561.1(DOCK7):c.1379C>T (p.Thr460Met)

Gene: DOCK7 (dedicator of cytokinesis 7; minus strand). Cytogenetic location: 1p31.3.
Variant type: single nucleotide variant.
Coding change: c.1379C>T on transcript NM_001367561.1 (MANE Select); coding-DNA position 1379, C replaced by T.
Protein change: p.Thr460Met; replaces threonine 460 with methionine.
Molecular consequence: missense variant.
Genome position (GRCh38, 1-based): chr1:62,625,305, G>A on the plus strand (C>T on the coding strand, the complement: DOCK7 is on the minus strand). VCF-style: chr1-62625305-G-A. GRCh37 (hg19) VCF-style: chr1-63090976-G-A.
Other names: c.1379C>T, p.Thr460Met (NM_001271999.2, NM_001272000.2, NM_001272001.2 and 3 more transcripts); c.1379C>T (NM_033407.2); short protein forms T460M.
Identifiers: ClinVar variation 941533 (VCV000941533.6), dbSNP rs374152490, ClinGen allele CA886970.

ClinVar aggregate classification (germline): Uncertain significance. Review status: criteria provided, multiple submitters, no conflicts (2 of 4 stars). 2 submissions from 2 submitters: Uncertain significance (2). Last evaluated 2024-08-19.

Conditions:
Inborn genetic diseases. Identifiers: MedGen C0950123, MeSH D030342.
Developmental and epileptic encephalopathy, 23 (DEE23). Also called: Epileptic encephalopathy, early infantile, 23. Identifiers: Orphanet 411986, MedGen C4014492, MONDO:0014371, OMIM 615859.

Allele frequency attached by ClinVar (database versions not stated): gnomAD 0.00005; TOPMed 0.00006; ESP Exome Variant Server 0.00015; ExAC 0.00002; gnomAD exomes 0.00004.
gnomAD v4.1: 44 of 1,613,782 alleles (0.0027%); highest among the groups gnomAD compares: Admixed American, 0.018%; no homozygotes.

Submissions (2):

Ambry Genetics
Classification: Uncertain significance for Inborn genetic diseases. Last evaluated: 2024-08-19. Review status: criteria provided, single submitter. Criteria: Ambry Variant Classification Scheme 2023. Collection method: clinical testing. Allele origin: germline.

Labcorp Genetics (formerly Invitae), Labcorp
Classification: Uncertain significance for Developmental and epileptic encephalopathy, 23. Last evaluated: 2022-10-05. Review status: criteria provided, single submitter. Criteria: Invitae Variant Classification Sherloc (09022015). Collection method: clinical testing. Allele origin: germline.
Comment: This sequence change replaces threonine, which is neutral and polar, with methionine, which is neutral and non-polar, at codon 460 of the DOCK7 protein (p.Thr460Met). This variant is present in population databases (rs374152490, gnomAD 0.03%). This variant has not been reported in the literature in individuals affected with DOCK7-related conditions. ClinVar contains an entry for this variant (Variation ID: 941533). Advanced modeling of protein sequence and biophysical properties (such as structural, functional, and spatial information, amino acid conservation, physicochemical variation, residue mobility, and thermodynamic stability) performed at Invitae indicates that this missense variant is not expected to disrupt DOCK7 protein function. In summary, the available evidence is currently insufficient to determine the role of this variant in disease. Therefore, it has been classified as a Variant of Uncertain Significance.